The following is an entry in ClinVar:

ClinVar aggregate classification (germline): Uncertain significance (1 of 4 stars; one submission).

Conditions:
Chédiak-Higashi syndrome (CHS). Also called: Chediak-Higashi Syndrome. Identifiers: Orphanet 167, MedGen C0007965, MONDO:0008963, OMIM 214500.

Allele frequency attached by ClinVar (database versions not stated): gnomAD exomes below 0.00001.
gnomAD v4.1: 7 of 1,613,864 alleles (0.00043%); highest among the groups gnomAD compares: South Asian, 0.0011%; no homozygotes.

Submission:

Labcorp Genetics (formerly Invitae), Labcorp
Classification: Uncertain significance for Chédiak-Higashi syndrome. Last evaluated: 2022-02-06. Review status: criteria provided, single submitter. Criteria: Invitae Variant Classification Sherloc (09022015). Collection method: clinical testing. Allele origin: germline.
Comment: In summary, the available evidence is currently insufficient to determine the role of this variant in disease. Therefore, it has been classified as a Variant of Uncertain Significance. Algorithms developed to predict the effect of missense changes on protein structure and function output the following: SIFT: "Tolerated"; PolyPhen-2: "Benign"; Align-GVGD: "Class C0". The serine amino acid residue is found in multiple mammalian species, which suggests that this missense change does not adversely affect protein function. This variant has not been reported in the literature in individuals affected with LYST-related conditions. This variant is not present in population databases (gnomAD no frequency). This sequence change replaces leucine, which is neutral and non-polar, with serine, which is neutral and polar, at codon 849 of the LYST protein (p.Leu849Ser).

NM_000081.4(LYST):c.2546T>C (p.Leu849Ser)

Gene: LYST (lysosomal trafficking regulator; minus strand). Cytogenetic location: 1q42.3.
Variant type: single nucleotide variant.
Coding change: c.2546T>C on transcript NM_000081.4 (MANE Select); coding-DNA position 2546, T replaced by C.
Protein change: p.Leu849Ser; replaces leucine 849 with serine.
Molecular consequence: missense variant.
Genome position (GRCh38, 1-based): chr1:235,806,590, A>G on the plus strand (T>C on the coding strand, the complement: LYST is on the minus strand). VCF-style: chr1-235806590-A-G. GRCh37 (hg19) VCF-style: chr1-235969890-A-G.
Other names: c.2546T>C, p.Leu849Ser (NM_001301365.1); short protein forms L849S.
Identifiers: ClinVar variation 2094170 (VCV002094170.4), dbSNP rs1672862603, ClinGen allele CA344956729.